The following is an entry in ClinVar:

NM_020774.4(MIB1):c.896C>A (p.Pro299Gln)

Gene: MIB1 (MIB E3 ubiquitin protein ligase 1; plus strand). Cytogenetic location: 18q11.2.
Variant type: single nucleotide variant.
Coding change: c.896C>A on transcript NM_020774.4 (MANE Select); coding-DNA position 896, C replaced by A.
Protein change: p.Pro299Gln; replaces proline 299 with glutamine.
Molecular consequence: missense variant.
Genome position (GRCh38, 1-based): chr18:21,779,673, C>A. VCF-style: chr18-21779673-C-A. GRCh37 (hg19) VCF-style: chr18-19359634-C-A.
Other names: short protein forms P299Q.
Identifiers: ClinVar variation 3252736 (VCV003252736.1), dbSNP rs2041335777.

ClinVar aggregate classification (germline): Uncertain significance (1 of 4 stars; one submission).

Allele frequency attached by ClinVar (database versions not stated): TOPMed below 0.00001.

Submission:

GeneDx
Classification: Uncertain significance. Last evaluated: 2023-10-05. Review status: criteria provided, single submitter. Criteria: GeneDx Variant Classification Process June 2021. Collection method: clinical testing. Allele origin: germline. Affected: yes.
Comment: Has not been previously published as pathogenic or benign to our knowledge; Not observed at significant frequency in large population cohorts (gnomAD); In silico analysis supports that this missense variant has a deleterious effect on protein structure/function